The following is an entry in ClinVar:

ClinVar aggregate classification (germline): Likely benign (0 of 4 stars; one submission).

Conditions:
TRIO-related disorder. Also called: TRIO-related condition; TRIO-related disorders.

gnomAD v4.1: 2 of 1,614,046 alleles (0.00012%); highest among the groups gnomAD compares: East Asian, 0.0022%; no homozygotes.

Submission:

PreventionGenetics, part of Exact Sciences
Classification: Likely benign for TRIO-related condition. Last evaluated: 2024-05-30. Review status: no assertion criteria provided. Collection method: clinical testing. Allele origin: germline.
Comment: This variant is classified as likely benign based on ACMG/AMP sequence variant interpretation guidelines (Richards et al. 2015 PMID: 25741868, with internal and published modifications).

NM_007118.4(TRIO):c.8781A>G (p.Leu2927=)

Gene: TRIO (trio Rho guanine nucleotide exchange factor; plus strand). Cytogenetic location: 5p15.2.
Variant type: single nucleotide variant.
Coding change: c.8781A>G on transcript NM_007118.4 (MANE Select); coding-DNA position 8781, A replaced by G.
Protein change: p.Leu2927=; no amino-acid change (leucine 2927 retained).
Molecular consequence: synonymous variant. On other transcripts: non-coding transcript variant (1).
Genome position (GRCh38, 1-based): chr5:14,507,909, A>G. VCF-style: chr5-14507909-A-G. GRCh37 (hg19) VCF-style: chr5-14508018-A-G.
Identifiers: ClinVar variation 3345419 (VCV003345419.1).
Genomic context (GRCh38, chr5:14,507,909, plus strand): 5'-CTGAAAATGACAGTTGTATTCTGATTTCCAGCCTGAGAATATCCTGGTGGATGAGAGTTT[A>G]GCCAAGCCAACCATCAAACTGGCTGACTTTGGAGATGCTGTTCAGCTCAACACGACCTAC-3'
Protein context (NP_009049.2, residues 2917-2937): KPENILVDES[Leu2927=]AKPTIKLADF